The following is an entry in ClinVar:

ClinVar aggregate classification (germline): Uncertain significance (1 of 4 stars; one submission).

Conditions:
Von Hippel-Lindau syndrome (VHLS). Also called: Von Hippel-Lindau; VHL syndrome; von Hippel–Lindau syndrome. Identifiers: Orphanet 892, MedGen C0019562, MONDO:0008667, OMIM 193300. Disease mechanism: loss of function.
Chuvash polycythemia. Also called: POLYCYTHEMIA, VHL-DEPENDENT. Identifiers: Orphanet 238557, MedGen C1837915, MONDO:0009892, OMIM 263400.

Submission:

Labcorp Genetics (formerly Invitae), Labcorp
Classification: Uncertain significance for Von Hippel-Lindau syndrome; Chuvash polycythemia. Last evaluated: 2021-04-20. Review status: criteria provided, single submitter. Criteria: Invitae Variant Classification Sherloc (09022015). Collection method: clinical testing. Allele origin: germline.
Comment: In summary, the available evidence is currently insufficient to determine the role of this variant in disease. Therefore, it has been classified as a Variant of Uncertain Significance. Experimental studies and prediction algorithms are not available or were not evaluated, and the functional significance of this variant is currently unknown. This variant has not been reported in the literature in individuals with VHL-related conditions. The frequency data for this variant in the population databases is considered unreliable, as metrics indicate insufficient coverage at this position in the ExAC database. This sequence change falls in intron 1 of the VHL gene. It is not expected to change the encoded amino acid sequence of the VHL protein. However, this sequence change falls within a cryptic exon in the VHL gene, known as exon E1’, which is naturally expressed at low levels in several human tissues (PMID: 29891534).

Literature cited by the submitters: PubMed 29891534.

NM_000551.4(VHL):c.340+747G>A

Genes: VHL (von Hippel-Lindau tumor suppressor; plus strand), LOC107303340 (3p25 von Hippel-Lindau tumor suppressor, E3 ubiquitin protein ligase Alu-mediated recombination region; plus strand). Cytogenetic location: 3p25.3.
Variant type: single nucleotide variant.
Coding change: c.340+747G>A on transcript NM_000551.4 (MANE Select); 747 bases into the intron after coding-DNA position 340, G replaced by A.
Molecular consequence: intron variant. On other transcripts: nonsense (1).
Genome position (GRCh38, 1-based): chr3:10,142,934, G>A. VCF-style: chr3-10142934-G-A. GRCh37 (hg19) VCF-style: chr3-10184618-G-A.
Other names: c.512G>A, p.Trp171Ter (NM_001354723.2); c.340+747G>A (NM_198156.3); short protein forms W171*.
Identifiers: ClinVar variation 1346896 (VCV001346896.8), dbSNP rs2125126053, ClinGen allele CA2573136131.